The following is an entry in ClinVar:

NM_002439.5(MSH3):c.442C>T (p.Gln148Ter)

Gene: MSH3 (mutS homolog 3; plus strand). Cytogenetic location: 5q14.1.
Variant type: single nucleotide variant.
Coding change: c.442C>T on transcript NM_002439.5 (MANE Select); coding-DNA position 442, C replaced by T.
Protein change: p.Gln148Ter; replaces glutamine 148 with a stop codon.
Molecular consequence: nonsense.
Genome position (GRCh38, 1-based): chr5:80,665,226, C>T. VCF-style: chr5-80665226-C-T. GRCh37 (hg19) VCF-style: chr5-79961045-C-T.
Other names: c.442C>T (NM_002439.3); short protein forms Q148*.
Identifiers: ClinVar variation 2673534 (VCV002673534.2), dbSNP rs772683764, ClinGen allele CA3327604.

ClinVar aggregate classification (germline): Pathogenic. Review status: criteria provided, multiple submitters, no conflicts (2 of 4 stars). 2 submissions from 2 submitters: Pathogenic (2). Last evaluated 2024-08-19.

Conditions:
Familial adenomatous polyposis 4 (FAP4). Also called: MSH3-related attenuated familial adenomatous polyposis. Identifiers: Orphanet 480536, MedGen C4310719, MONDO:0044300, OMIM 617100.
Hereditary cancer-predisposing syndrome. Also called: Tumor predisposition; Hereditary neoplastic syndrome; Neoplastic Syndromes, Hereditary; Hereditary Cancer Syndrome. Identifiers: Orphanet 140162, MedGen C0027672, MeSH D009386, MONDO:0015356.

Allele frequency attached by ClinVar (database versions not stated): gnomAD exomes below 0.00001; ExAC 0.00001.
gnomAD v4.1: 6 of 1,614,114 alleles (0.00037%); highest among the groups gnomAD compares: Non-Finnish European, 0.00051%; no homozygotes.

Submissions (2):

Ambry Genetics
Classification: Pathogenic for Hereditary cancer-predisposing syndrome. Last evaluated: 2024-08-19. Review status: criteria provided, single submitter. Criteria: Ambry Variant Classification Scheme 2023. Collection method: clinical testing. Allele origin: germline.
Comment: The p.Q148* pathogenic mutation (also known as c.442C>T), located in coding exon 3 of the MSH3 gene, results from a C to T substitution at nucleotide position 442. This changes the amino acid from a glutamine to a stop codon within coding exon 3. This variant is considered to be rare based on population cohorts in the Genome Aggregation Database (gnomAD). This alteration is expected to result in loss of function by premature protein truncation or nonsense-mediated mRNA decay. As such, this alteration is interpreted as a disease-causing mutation.

Myriad Genetics, Inc.
Classification: Pathogenic for Familial adenomatous polyposis 4. Last evaluated: 2023-08-29. Review status: criteria provided, single submitter. Criteria: Myriad Autosomal Dominant, Autosomal Recessive and X-Linked Classification Criteria (2023). Collection method: clinical testing. Allele origin: unknown.
Comment: This variant is considered pathogenic. This variant creates a termination codon and is predicted to result in premature protein truncation.